The following is an entry in ClinVar:

ClinVar aggregate classification (germline): Likely pathogenic (1 of 4 stars; one submission).

Conditions:
Hereditary cancer-predisposing syndrome. Also called: Neoplastic Syndromes, Hereditary; Tumor predisposition; Hereditary Cancer Syndrome; Hereditary neoplastic syndrome. Identifiers: Orphanet 140162, MedGen C0027672, MeSH D009386, MONDO:0015356.

Submission:

Ambry Genetics
Classification: Likely pathogenic for Hereditary cancer-predisposing syndrome. Last evaluated: 2025-09-29. Review status: criteria provided, single submitter. Criteria: Ambry Variant Classification Scheme 2023. Collection method: clinical testing. Allele origin: germline.
Comment: The p.P129R variant (also known as c.386C>G), located in coding exon 4 of the SDHB gene, results from a C to G substitution at nucleotide position 386. The proline at codon 129 is replaced by arginine, an amino acid with dissimilar properties. This variant was reported in individual(s) with features consistent with SDHB-related hereditary pheochromocytoma-paraganglioma (Ma X et al. Front Endocrinol (Lausanne), 2020 Dec;11:574662; Ambry internal data). Based on internal structural analysis, this alteration is anticipated to result in a significant decrease in structural stability (Sun F et al. Cell. 2005 Jul;121:1043-57). This variant is considered to be rare based on population cohorts in the Genome Aggregation Database (gnomAD). This amino acid position is highly conserved in available vertebrate species. In addition, this alteration is predicted to be deleterious by in silico analysis. Based on the majority of available evidence to date, this variant is likely to be pathogenic.

Literature cited by the submitters: PubMed 15989954; PubMed 33362715.

NM_003000.3(SDHB):c.386C>G (p.Pro129Arg)

Gene: SDHB (succinate dehydrogenase complex iron sulfur subunit B; minus strand). Cytogenetic location: 1p36.13.
Variant type: single nucleotide variant.
Coding change: c.386C>G on transcript NM_003000.3 (MANE Select); coding-DNA position 386, C replaced by G.
Protein change: p.Pro129Arg; replaces proline 129 with arginine.
Molecular consequence: missense variant.
Genome position (GRCh38, 1-based): chr1:17,028,637, G>C on the plus strand (C>G on the coding strand, the complement: SDHB is on the minus strand). VCF-style: chr1-17028637-G-C. GRCh37 (hg19) VCF-style: chr1-17355132-G-C.
Other names: short protein forms P129R.
Identifiers: ClinVar variation 141423 (VCV000141423.6), dbSNP rs587781735, ClinGen allele CA015807.